The following is an entry in ClinVar:

NM_000548.5(TSC2):c.3398-1G>A

Gene: TSC2 (TSC complex subunit 2; plus strand). Cytogenetic location: 16p13.3.
Variant type: single nucleotide variant.
Coding change: c.3398-1G>A on transcript NM_000548.5 (MANE Select); the canonical splice acceptor site of the intron before coding-DNA position 3398, G replaced by A.
Molecular consequence: splice acceptor variant.
Genome position (GRCh38, 1-based): chr16:2,080,164, G>A. VCF-style: chr16-2080164-G-A. GRCh37 (hg19) VCF-style: chr16-2130165-G-A.
Other names: c.1925-1G>A (NM_001406693.1, NM_001406690.1, NM_001406692.1 and 1 more transcripts); c.3359-1G>A (NM_001406667.1); c.3356-1G>A (NM_001406668.1); c.2798-1G>A (NM_001406680.1, NM_001406683.1, NM_001406682.1); c.2666-1G>A (NM_001406687.1, NM_001318831.2, NM_001406688.1); c.2054-1G>A (NM_001406689.1); c.1922-1G>A (NM_001406691.1, NM_001406697.1, NM_001406695.1 and 1 more transcripts); c.1664-1G>A (NM_001406698.1); and 18 more.
Identifiers: ClinVar variation 49871 (VCV000049871.4), dbSNP rs45517293, ClinGen allele CA019095.

ClinVar aggregate classification (germline): Pathogenic. Review status: criteria provided, single submitter (1 of 4 stars). 2 submissions from 2 submitters: Pathogenic (1). 1 of the submissions does not count toward it. Last evaluated 2017-11-01.

Conditions:
Hereditary cancer-predisposing syndrome. Also called: Neoplastic Syndromes, Hereditary; Tumor predisposition; Hereditary Cancer Syndrome; Hereditary neoplastic syndrome. Identifiers: Orphanet 140162, MedGen C0027672, MeSH D009386, MONDO:0015356.
Tuberous sclerosis syndrome (TSC). Also called: Tuberous Sclerosis Complex; Tuberous sclerosis. Identifiers: Orphanet 805, MedGen C0041341, MONDO:0001734.

Submissions (2):

Ambry Genetics
Classification: Pathogenic for Hereditary cancer-predisposing syndrome. Last evaluated: 2017-11-01. Review status: criteria provided, single submitter. Criteria: Ambry Variant Classification Scheme 2023. Collection method: clinical testing. Allele origin: germline.
Comment: The c.3398-1G>A intronic pathogenic mutation results from a G to A substitution one nucleotide upstream from coding exon 29 of the TSC2 gene. This nucleotide position is highly conserved in available vertebrate species. Using the BDGP and ESEfinder splice site prediction tools, this alteration is predicted to weaken the efficiency of the native splice acceptor site; however, direct evidence is unavailable. Alterations that disrupt the canonical splice site are expected to cause aberrant splicing, resulting in an abnormal protein or a transcript that is subject to nonsense-mediated mRNA decay. As such, this alteration is classified as a disease-causing mutation.

Tuberous sclerosis database (TSC2)
No classification provided. Condition: TSC. Review status: no classification provided. Criteria: Tuberous Sclerosis Database Assertion Criteria 2015. Collection method: curation. Allele origin: germline. Affected: yes. Not counted in ClinVar's aggregate classification.